The following is an entry in ClinVar:

NM_001271.4(CHD2):c.63-197G>T

Gene: CHD2 (chromodomain helicase DNA binding protein 2; plus strand). Cytogenetic location: 15q26.1.
Variant type: single nucleotide variant.
Coding change: c.63-197G>T on transcript NM_001271.4 (MANE Select); 197 bases into the intron before coding-DNA position 63, G replaced by T.
Molecular consequence: intron variant.
Genome position (GRCh38, 1-based): chr15:92,924,124, G>T. VCF-style: chr15-92924124-G-T. GRCh37 (hg19) VCF-style: chr15-93467354-G-T.
Other names: c.63-197G>T (NM_001042572.3).
Identifiers: ClinVar variation 678357 (VCV000678357.1), dbSNP rs8026695, ClinGen allele CA14138780.

ClinVar aggregate classification (germline): Benign (1 of 4 stars; one submission).

Allele frequency attached by ClinVar (database versions not stated): TOPMed 0.54871; 1000 Genomes Project 30x 0.62523; 1000 Genomes Project 0.63399.
gnomAD v4.1: 83,521 of 151,982 alleles (55%); highest among the groups gnomAD compares: East Asian, 85%; 23,700 homozygotes.

Submission:

GeneDx
Classification: Benign. Last evaluated: 2018-06-14. Review status: criteria provided, single submitter. Criteria: GeneDx Variant Classification (06012015). Collection method: clinical testing. Allele origin: germline. Affected: yes.
Comment: This variant is considered likely benign or benign based on one or more of the following criteria: it is a conservative change, it occurs at a poorly conserved position in the protein, it is predicted to be benign by multiple in silico algorithms, and/or has population frequency not consistent with disease.